The following is an entry in ClinVar:

ClinVar aggregate classification (germline): Conflicting classifications of pathogenicity. Review status: criteria provided, conflicting classifications (1 of 4 stars). 2 submissions from 2 submitters: Pathogenic (1); Uncertain significance (1). Last evaluated 2024-08-21.

Conditions:
Cornelia de Lange syndrome 3 (CDLS3). Also called: SMC3-Related Cornelia de Lange Syndrome; CORNELIA DE LANGE SYNDROME 3 WITH OR WITHOUT MIDLINE BRAIN DEFECTS. Identifiers: Orphanet 199, MedGen C1853099, MONDO:0012555, OMIM 610759.

Submissions (2):

GeneDx
Classification: Pathogenic. Last evaluated: 2024-08-21. Review status: criteria provided, single submitter. Criteria: GeneDx Variant Classification Process June 2021. Collection method: clinical testing. Allele origin: germline. Affected: yes.
Comment: Nonsense variant predicted to result in protein truncation or nonsense mediated decay in a gene for which loss of function is a known mechanism of disease; Not observed at significant frequency in large population cohorts (gnomAD); Has not been previously published as pathogenic or benign to our knowledge

Juno Genomics, Hangzhou Juno Genomics, Inc
Classification: Uncertain significance for Cornelia de Lange syndrome 3. Review status: criteria provided, single submitter. Criteria: ACMG Guidelines, 2015. Collection method: clinical testing. Allele origin: germline.
Comment: Absent from controls (or at extremely low frequency if recessive) in Genome Aggregation Database.;Null variant in a gene where loss of function (LOF) is a known mechanism of disease.

NM_005445.4(SMC3):c.1339C>T (p.Arg447Ter)

Gene: SMC3 (structural maintenance of chromosomes 3; plus strand). Cytogenetic location: 10q25.2.
Variant type: single nucleotide variant.
Coding change: c.1339C>T on transcript NM_005445.4 (MANE Select); coding-DNA position 1339, C replaced by T.
Protein change: p.Arg447Ter; replaces arginine 447 with a stop codon.
Molecular consequence: nonsense.
Genome position (GRCh38, 1-based): chr10:110,589,638, C>T. VCF-style: chr10-110589638-C-T. GRCh37 (hg19) VCF-style: chr10-112349396-C-T.
Other names: short protein forms R447*.
Identifiers: ClinVar variation 3764216 (VCV003764216.3).
Genomic context (GRCh38, chr10:110,589,638, plus strand): 5'-ATTTTAAATTTATTTTTATTTCCATAGAAACTGGACCAGGATCTTAATGAAGTCAAAGCT[C>T]GAGTAGAAGAACTGGACAGAAAATATTACGAAGTAAAAAATAAGAAAGATGAACTACAAA-3'